The following is an entry in ClinVar:

ClinVar aggregate classification (germline): Conflicting classifications of pathogenicity. Review status: criteria provided, conflicting classifications (1 of 4 stars). 4 submissions from 4 submitters: Uncertain significance (3); Likely benign (1). Last evaluated 2026-02-19.

Conditions:
BBS9-related disorder. Also called: BBS9-related condition.
Bardet-Biedl syndrome (BBS). Identifiers: Orphanet 110, MedGen C0752166, MONDO:0015229.
Inborn genetic diseases. Identifiers: MedGen C0950123, MeSH D030342.

Allele frequency attached by ClinVar (database versions not stated): TOPMed 0.00005; gnomAD 0.00013; ESP Exome Variant Server 0.00015.
gnomAD v4.1: 74 of 1,613,538 alleles (0.0046%); highest among the groups gnomAD compares: Middle Eastern, 0.016%; no homozygotes.

Submissions (4):

PreventionGenetics, part of Exact Sciences
Classification: Uncertain significance for BBS9-related condition. Last evaluated: 2026-02-19. Review status: criteria provided, single submitter. Criteria: ACMG Guidelines, 2015. Collection method: clinical testing. Allele origin: germline.
Comment: The BBS9 c.767C>T variant is predicted to result in the amino acid substitution p.Ser256Leu. To our knowledge, this variant has not been reported in the literature. This variant is reported in 0.064% of alleles in individuals of European (Finnish) descent in gnomAD, which may be too common to be an undocumented disease causing variant. Although we suspect that this variant may be benign, at this time, the clinical significance of this variant is uncertain due to the absence of conclusive functional and genetic evidence.

Ambry Genetics
Classification: Uncertain significance for Inborn genetic diseases. Last evaluated: 2025-10-28. Review status: criteria provided, single submitter. Criteria: Ambry Variant Classification Scheme 2023. Collection method: clinical testing. Allele origin: germline.

Blueprint Genetics
Classification: Likely benign. Last evaluated: 2024-09-04. Review status: criteria provided, single submitter. Criteria: ACMG Guidelines, 2015. Collection method: clinical testing. Allele origin: germline.

Labcorp Genetics (formerly Invitae), Labcorp
Classification: Uncertain significance for Bardet-Biedl syndrome. Last evaluated: 2022-08-23. Review status: criteria provided, single submitter. Criteria: Invitae Variant Classification Sherloc (09022015). Collection method: clinical testing. Allele origin: germline.
Comment: This sequence change replaces serine, which is neutral and polar, with leucine, which is neutral and non-polar, at codon 256 of the BBS9 protein (p.Ser256Leu). This variant is present in population databases (rs149790873, gnomAD 0.05%). This variant has not been reported in the literature in individuals affected with BBS9-related conditions. ClinVar contains an entry for this variant (Variation ID: 648354). Algorithms developed to predict the effect of missense changes on protein structure and function output the following: SIFT: "Deleterious"; PolyPhen-2: "Benign"; Align-GVGD: "Class C65". The leucine amino acid residue is found in multiple mammalian species, which suggests that this missense change does not adversely affect protein function. Algorithms developed to predict the effect of sequence changes on RNA splicing suggest that this variant may create or strengthen a splice site. In summary, the available evidence is currently insufficient to determine the role of this variant in disease. Therefore, it has been classified as a Variant of Uncertain Significance.

NM_198428.3(BBS9):c.767C>T (p.Ser256Leu)

Gene: BBS9 (Bardet-Biedl syndrome 9; plus strand). Cytogenetic location: 7p14.3.
Variant type: single nucleotide variant.
Coding change: c.767C>T on transcript NM_198428.3 (MANE Select); coding-DNA position 767, C replaced by T.
Protein change: p.Ser256Leu; replaces serine 256 with leucine.
Molecular consequence: missense variant. On other transcripts: non-coding transcript variant (3).
Genome position (GRCh38, 1-based): chr7:33,273,076, C>T. VCF-style: chr7-33273076-C-T. GRCh37 (hg19) VCF-style: chr7-33312688-C-T.
Other names: c.767C>T, p.Ser256Leu (NM_001033604.2, NM_001033605.2, NM_001348036.1 and 5 more transcripts); c.401C>T, p.Ser134Leu (NM_001348037.3, NM_001348044.3, NM_001348045.3 and 1 more transcripts); c.494C>T, p.Ser165Leu (NM_001348038.3, NM_001348039.3); c.632C>T, p.Ser211Leu (NM_001348042.3); short protein forms S211L, S256L, S134L, S165L.
Identifiers: ClinVar variation 648354 (VCV000648354.11), dbSNP rs149790873, ClinGen allele CA4214107.